The following is an entry in ClinVar:

NM_001164508.2(NEB):c.507+2T>C

Gene: NEB (nebulin; minus strand). Cytogenetic location: 2q23.3.
Variant type: single nucleotide variant.
Coding change: c.507+2T>C on transcript NM_001164508.2 (MANE Select); the canonical splice donor site of the intron after coding-DNA position 507, T replaced by C.
Molecular consequence: splice donor variant.
Genome position (GRCh38, 1-based): chr2:151,724,855, A>G on the plus strand (T>C on the coding strand, the complement: NEB is on the minus strand). VCF-style: chr2-151724855-A-G. GRCh37 (hg19) VCF-style: chr2-152581369-A-G.
Other names: c.507+2T>C (NM_004543.5, NM_001164507.2, NM_001271208.2).
Identifiers: ClinVar variation 2121341 (VCV002121341.4), dbSNP rs2552279741, ClinGen allele CA348792512.
Genomic context (GRCh38, chr2:151,724,855, plus strand): 5'-AGACAATGCAGAGGTGATGCACATGCTACTGAGTACCCCAGCCATCCATATCATTGCCTT[A>G]CCTTACTGACTTGCTGCGACACTTTCTTTGCATGTTCAATATCCTTTGCTTTTTCATCTA-3'

ClinVar aggregate classification (germline): Likely pathogenic (1 of 4 stars; one submission).

Conditions:
Nemaline myopathy 2 (NEM2). Also called: Nemaline myopathy 2, autosomal recessive. Identifiers: MedGen C1850569, MONDO:0009725, OMIM 256030.

Submission:

Labcorp Genetics (formerly Invitae), Labcorp
Classification: Likely pathogenic for Nemaline myopathy 2. Last evaluated: 2023-06-14. Review status: criteria provided, single submitter. Criteria: Invitae Variant Classification Sherloc (09022015). Collection method: clinical testing. Allele origin: germline.
Comment: This variant has not been reported in the literature in individuals affected with NEB-related conditions. ClinVar contains an entry for this variant (Variation ID: 2121341). Algorithms developed to predict the effect of sequence changes on RNA splicing suggest that this variant may disrupt the consensus splice site. In summary, the currently available evidence indicates that the variant is pathogenic, but additional data are needed to prove that conclusively. Therefore, this variant has been classified as Likely Pathogenic. This variant is not present in population databases (gnomAD no frequency). This sequence change affects a donor splice site in intron 7 of the NEB gene. It is expected to disrupt RNA splicing. Variants that disrupt the donor or acceptor splice site typically lead to a loss of protein function (PMID: 16199547), and loss-of-function variants in NEB are known to be pathogenic (PMID: 25205138).

Literature cited by the submitters: PubMed 16199547; PubMed 25205138.